The following is an entry in ClinVar:

ClinVar aggregate classification (germline): Uncertain significance (1 of 4 stars; one submission).

Allele frequency attached by ClinVar (database versions not stated): gnomAD exomes below 0.00001.

Submission:

Labcorp Genetics (formerly Invitae), Labcorp
Classification: Uncertain significance. Last evaluated: 2022-02-17. Review status: criteria provided, single submitter. Criteria: Invitae Variant Classification Sherloc (09022015). Collection method: clinical testing. Allele origin: germline.
Comment: In summary, the available evidence is currently insufficient to determine the role of this variant in disease. Therefore, it has been classified as a Variant of Uncertain Significance. Algorithms developed to predict the effect of sequence changes on RNA splicing suggest that this variant is not likely to affect RNA splicing. Algorithms developed to predict the effect of missense changes on protein structure and function are either unavailable or do not agree on the potential impact of this missense change (SIFT: "Deleterious"; PolyPhen-2: "Probably Damaging"; Align-GVGD: "Class C0"). This variant has not been reported in the literature in individuals affected with SERPING1-related conditions. This variant is not present in population databases (gnomAD no frequency). This sequence change replaces valine, which is neutral and non-polar, with methionine, which is neutral and non-polar, at codon 344 of the SERPING1 protein (p.Val344Met).

NM_000062.3(SERPING1):c.1030G>A (p.Val344Met)

Gene: SERPING1 (serpin family G member 1; plus strand). Cytogenetic location: 11q12.1.
Variant type: single nucleotide variant.
Coding change: c.1030G>A on transcript NM_000062.3 (MANE Select); coding-DNA position 1030, G replaced by A.
Protein change: p.Val344Met; replaces valine 344 with methionine.
Molecular consequence: missense variant.
Genome position (GRCh38, 1-based): chr11:57,611,717, G>A. VCF-style: chr11-57611717-G-A. GRCh37 (hg19) VCF-style: chr11-57379190-G-A.
Other names: c.1030G>A, p.Val344Met (NM_001032295.2); short protein forms V344M.
Identifiers: ClinVar variation 2050707 (VCV002050707.4), dbSNP rs2495452082, ClinGen allele CA380702261.